The following is an entry in ClinVar:

NM_024747.6(HPS6):c.139_148del (p.Arg47fs)

Genes: HPS6 (HPS6 biogenesis of lysosomal organelles complex 2 subunit 3; plus strand), LOC130004578 (ATAC-STARR-seq lymphoblastoid silent region 2738; plus strand). Cytogenetic location: 10q24.32.
Variant type: Deletion.
Coding change: c.139_148del on transcript NM_024747.6 (MANE Select); coding-DNA positions 139 to 148, 10 bases deleted (CGACCCCCTG; older notation c.139_148delCGACCCCCTG).
Protein change: p.Arg47fs; shifts the reading frame from arginine 47.
Molecular consequence: frameshift variant.
Genome position (GRCh38, 1-based): chr10:102,065,613-102,065,622, CGACCCCCTG deleted; deleting any 10 consecutive bases within chr10:102,065,609-102,065,622 gives the same sequence; the c. name uses the placement nearest the transcript's 3' end. VCF-style (leftmost placement, unchanged base first): chr10-102065608-TCCTGCGACCC-T. GRCh37 (hg19) VCF-style: chr10-103825365-TCCTGCGACCC-T.
Other names: short protein forms R47fs.
Identifiers: ClinVar variation 2775573 (VCV002775573.3), dbSNP rs2540986172, ClinGen allele CA2739275944.

ClinVar aggregate classification (germline): Pathogenic (1 of 4 stars; one submission).

Submission:

Labcorp Genetics (formerly Invitae), Labcorp
Classification: Pathogenic. Last evaluated: 2023-02-03. Review status: criteria provided, single submitter. Criteria: Invitae Variant Classification Sherloc (09022015). Collection method: clinical testing. Allele origin: germline.
Comment: This sequence change creates a premature translational stop signal (p.Arg47Glyfs*3) in the HPS6 gene. While this is not anticipated to result in nonsense mediated decay, it is expected to disrupt the last 729 amino acid(s) of the HPS6 protein. This variant is not present in population databases (gnomAD no frequency). This variant has not been reported in the literature in individuals affected with HPS6-related conditions. This variant disrupts a region of the HPS6 protein in which other variant(s) (p.Gln680*) have been determined to be pathogenic (PMID: 27225848, 29054114, 31141302). This suggests that this is a clinically significant region of the protein, and that variants that disrupt it are likely to be disease-causing. For these reasons, this variant has been classified as Pathogenic.

Literature cited by the submitters: PubMed 27225848; PubMed 29054114; PubMed 31141302.